The following is an entry in ClinVar:

ClinVar aggregate classification (germline): Uncertain significance. Review status: criteria provided, multiple submitters, no conflicts (2 of 4 stars). 2 submissions from 2 submitters: Uncertain significance (2). Last evaluated 2021-08-20.

Conditions:
Aspartylglucosaminuria (AGU). Also called: Aspartylglucos-aminuria; Aspartylglucos-amidase (AGA) deficiency; AGA DEFICIENCY; GLYCOASPARAGINASE; GLYCOSYLASPARAGINASE DEFICIENCY. Identifiers: Orphanet 93, MedGen C0268225, MONDO:0008830, OMIM 208400, HP:0012068.

Allele frequency attached by ClinVar (database versions not stated): gnomAD 0.00001; TOPMed 0.00001.
gnomAD v4.1: 7 of 1,613,940 alleles (0.00043%); highest among the groups gnomAD compares: Non-Finnish European, 0.00059%; no homozygotes.

Submissions (2):

Labcorp Genetics (formerly Invitae), Labcorp
Classification: Uncertain significance for Aspartylglucosaminuria. Last evaluated: 2021-08-20. Review status: criteria provided, single submitter. Criteria: Invitae Variant Classification Sherloc (09022015). Collection method: clinical testing. Allele origin: germline.
Comment: This sequence change replaces glycine with serine at codon 60 of the AGA protein (p.Gly60Ser). The glycine residue is highly conserved and there is a small physicochemical difference between glycine and serine. This variant is not present in population databases (ExAC no frequency). This variant has not been reported in the literature in individuals affected with AGA-related conditions. Algorithms developed to predict the effect of missense changes on protein structure and function (SIFT, PolyPhen-2, Align-GVGD) all suggest that this variant is likely to be disruptive. In summary, the available evidence is currently insufficient to determine the role of this variant in disease. Therefore, it has been classified as a Variant of Uncertain Significance.

Illumina Laboratory Services, Illumina
Classification: Uncertain significance for Aspartylglucosaminuria. Last evaluated: 2018-01-13. Review status: criteria provided, single submitter. Criteria: ICSL Variant Classification Criteria 13 December 2019. Collection method: clinical testing. Allele origin: germline.

NM_000027.4(AGA):c.178G>A (p.Gly60Ser)

Gene: AGA (aspartylglucosaminidase; minus strand). Cytogenetic location: 4q34.3.
Variant type: single nucleotide variant.
Coding change: c.178G>A on transcript NM_000027.4 (MANE Select); coding-DNA position 178, G replaced by A.
Protein change: p.Gly60Ser; replaces glycine 60 with serine.
Molecular consequence: missense variant. On other transcripts: non-coding transcript variant (1).
Genome position (GRCh38, 1-based): chr4:177,440,376, C>T on the plus strand (G>A on the coding strand, the complement: AGA is on the minus strand). VCF-style: chr4-177440376-C-T. GRCh37 (hg19) VCF-style: chr4-178361530-C-T.
Other names: c.178G>A, p.Gly60Ser (NM_001171988.2); short protein forms G60S.
Identifiers: ClinVar variation 901464 (VCV000901464.5), dbSNP rs1489211352, ClinGen allele CA358784514.